The following is an entry in ClinVar:

NM_001242882.2(NAXD):c.422C>G (p.Ala141Gly)

Gene: NAXD (NAD(P)HX dehydratase; plus strand). Cytogenetic location: 13q34.
Variant type: single nucleotide variant.
Coding change: c.422C>G on transcript NM_001242882.2 (MANE Select); coding-DNA position 422, C replaced by G.
Protein change: p.Ala141Gly; replaces alanine 141 with glycine.
Molecular consequence: missense variant. On other transcripts: non-coding transcript variant (2).
Genome position (GRCh38, 1-based): chr13:110,627,528, C>G. VCF-style: chr13-110627528-C-G. GRCh37 (hg19) VCF-style: chr13-111279875-C-G.
Other names: c.476C>G, p.Ala159Gly (NM_001242881.2, NM_018210.4); c.146C>G, p.Ala49Gly (NM_001242883.2); short protein forms A141G, A49G, A159G.
Identifiers: ClinVar variation 2190306 (VCV002190306.3), dbSNP rs576045093, ClinGen allele CA7051184.

ClinVar aggregate classification (germline): Uncertain significance (1 of 4 stars; one submission).

gnomAD v4.1: 22 of 1,612,716 alleles (0.0014%); highest among the groups gnomAD compares: African/African-American, 0.0027%; no homozygotes.

Submission:

Labcorp Genetics (formerly Invitae), Labcorp
Classification: Uncertain significance. Last evaluated: 2022-09-19. Review status: criteria provided, single submitter. Criteria: Invitae Variant Classification Sherloc (09022015). Collection method: clinical testing. Allele origin: germline.
Comment: This sequence change replaces alanine, which is neutral and non-polar, with glycine, which is neutral and non-polar, at codon 159 of the NAXD protein (p.Ala159Gly). This variant is present in population databases (rs576045093, gnomAD 0.007%). This variant has not been reported in the literature in individuals affected with NAXD-related conditions. Advanced modeling of protein sequence and biophysical properties (such as structural, functional, and spatial information, amino acid conservation, physicochemical variation, residue mobility, and thermodynamic stability) performed at Invitae indicates that this missense variant is not expected to disrupt NAXD protein function. In summary, the available evidence is currently insufficient to determine the role of this variant in disease. Therefore, it has been classified as a Variant of Uncertain Significance.